The following is an entry in ClinVar:

ClinVar aggregate classification (germline): Uncertain significance (1 of 4 stars; one submission).

Conditions:
Hearing loss, autosomal recessive 99. Also called: DEAFNESS, AUTOSOMAL RECESSIVE 99. Identifiers: MedGen C4760579, MONDO:0032776, OMIM 618481.

Submission:

Baylor Genetics
Classification: Uncertain significance for Hearing loss, autosomal recessive 99. Last evaluated: 2020-02-24. Review status: criteria provided, single submitter. Criteria: ACMG Guidelines, 2015. Collection method: clinical testing. Allele origin: unknown. Affected: yes.
Comment: This variant was determined to be of uncertain significance according to ACMG Guidelines, 2015 [PMID:25741868].

NM_001304438.2(TMEM132E):c.1228A>G (p.Met410Val)

Gene: TMEM132E (transmembrane protein 132E; plus strand). Cytogenetic location: 17q12.
Variant type: single nucleotide variant.
Coding change: c.1228A>G on transcript NM_001304438.2 (MANE Select); coding-DNA position 1228, A replaced by G.
Protein change: p.Met410Val; replaces methionine 410 with valine.
Molecular consequence: missense variant.
Genome position (GRCh38, 1-based): chr17:34,629,094, A>G. VCF-style: chr17-34629094-A-G. GRCh37 (hg19) VCF-style: chr17-32956113-A-G.
Other names: short protein forms M410V.
Identifiers: ClinVar variation 1030371 (VCV001030371.1), dbSNP rs1907257569, ClinGen allele CA399071953.